The following is an entry in ClinVar:

ClinVar aggregate classification (germline): Pathogenic (1 of 4 stars; one submission).

Conditions:
Bloom syndrome (BLM). Also called: Bloom-Torre-Machacek syndrome. Identifiers: Orphanet 125, MedGen C0005859, MONDO:0008876, OMIM 210900.

Submission:

Labcorp Genetics (formerly Invitae), Labcorp
Classification: Pathogenic for Bloom syndrome. Last evaluated: 2019-10-05. Review status: criteria provided, single submitter. Criteria: Invitae Variant Classification Sherloc (09022015). Collection method: clinical testing. Allele origin: germline.
Comment: This variant is an out-of-frame deletion of the genomic region encompassing exon 5 of the BLM gene. This is expected to create a premature translational stop signal and result in an absent or disrupted protein product. This variant has not been reported in the literature in individuals with BLM-related disease. Loss-of-function variants in BLM are known to be pathogenic (PMID: 17407155). For these reasons, this variant has been classified as Pathogenic.

NC_000015.10:g.(?_90754801)_(90754948_?)del

Gene: BLM (BLM RecQ like helicase; plus strand). Cytogenetic location: 15q26.1.
Variant type: Deletion.
Identifiers: ClinVar variation 832970 (VCV000832970.1).